The following is an entry in ClinVar:

ClinVar aggregate classification (germline): Pathogenic. Review status: criteria provided, single submitter (1 of 4 stars). 2 submissions from 2 submitters: Pathogenic (1). 1 of the submissions does not count toward it. Last evaluated 2023-07-17.

Conditions:
Macrothrombocytopenia and granulocyte inclusions with or without nephritis or sensorineural hearing loss (MATINS). Also called: BLEEDING DISORDER, PLATELET-TYPE, 6; Fechtner syndrome; Epstein syndrome; Giant platelet syndrome with thrombocytopenia; SEBASTIAN PLATELET SYNDROME; MACROTHROMBOCYTOPENIA WITH DISPERSED LEUKOCYTIC INCLUSIONS. Identifiers: Orphanet 182050, MedGen C5200934, MONDO:0015912, OMIM 155100.

Submissions (2):

Victorian Clinical Genetics Services, Murdoch Childrens Research Institute
Classification: Pathogenic for Macrothrombocytopenia and granulocyte inclusions with or without nephritis or sensorineural hearing loss. Last evaluated: 2023-07-17. Review status: criteria provided, single submitter. Criteria: ACMG Guidelines, 2015. Collection method: clinical testing. Allele origin: germline. Inheritance: Autosomal dominant inheritance. Affected: yes.
Comment: Based on the classification scheme VCGS_Germline_v1.3.4, this variant is classified as Pathogenic. Following criteria are met: 0103 - Dominant negative and loss of function are likely mechanisms of disease in this gene, and are associated with macrothrombocytopenia and granulocyte inclusions with or without nephritis or sensorineural hearing loss (MIM#155100) and autosomal dominant deafness 17 (MIM#603622) (PMIDs: 20301740, 32545517). (I) 0107 - This gene is associated with autosomal dominant disease. (I) 0115 - Variants in this gene are known to have variable expressivity. Expressivity varies for onset and severity of sensorineural deafness, glomerular nephropathy, presenile cataract, and alterations of liver enzymes (PMID: 20301740). (I) 0200 - Variant is predicted to result in a missense amino acid change from arginine to leucine. (I) 0251 - This variant is heterozygous. (I) 0301 - Variant is absent from gnomAD (both v2 and v3). (SP) 0501 - Missense variant consistently predicted to be damaging by multiple in silico tools or highly conserved with a major amino acid change. (SP) 0600 - Variant is located in the annotated myosin tail 1 (DECIPHER). (I) 0703 - Another missense variant comparable to the one identified in this case has moderate previous evidence for pathogenicity. p.(Arg1165Cys) has been reported as pathogenic by many clinical testing laboratories (ClinVar). (SP) 0801 - This variant has strong previous evidence of pathogenicity in unrelated individuals. It has been reported in at least five unrelated individuals with MYH9-related disease, and hearing loss has also been reported in some of those individuals (PMIDs: 11776386, 26226608, 33217855, 33718801). (SP) 1208 - Inheritance information for this variant is not currently available in this individual. (I) Legend: (SP) - Supporting pathogenic, (I) - Information, (SB) - Supporting benign

GeneReviews
No classification provided. Condition: Macrothrombocytopenia and granulocyte inclusions with or without nephritis or sensorineural hearing loss. Review status: no classification provided. Collection method: literature only. Allele origin: germline. Not counted in ClinVar's aggregate classification.
Comment: Associated with high risk for hearing loss and low risk for nephropathy and cataract

Literature cited by the submitters: PubMed 11776386 (cited by Victorian Clinical Genetics Services, Murdoch Childrens Research Institute); PubMed 20301740 (cited by Victorian Clinical Genetics Services, Murdoch Childrens Research Institute); PubMed 26226608 (cited by Victorian Clinical Genetics Services, Murdoch Childrens Research Institute); PubMed 32545517 (cited by Victorian Clinical Genetics Services, Murdoch Childrens Research Institute); PubMed 33217855 (cited by Victorian Clinical Genetics Services, Murdoch Childrens Research Institute); PubMed 33718801 (cited by Victorian Clinical Genetics Services, Murdoch Childrens Research Institute); NCBI Bookshelf NBK2689 (cited by GeneReviews).

NM_002473.6(MYH9):c.3494G>T (p.Arg1165Leu)

Gene: MYH9 (myosin heavy chain 9; minus strand). Cytogenetic location: 22q12.3.
Variant type: single nucleotide variant.
Coding change: c.3494G>T on transcript NM_002473.6 (MANE Select); coding-DNA position 3494, G replaced by T.
Protein change: p.Arg1165Leu; replaces arginine 1165 with leucine.
Molecular consequence: missense variant.
Genome position (GRCh38, 1-based): chr22:36,295,068, C>A on the plus strand (G>T on the coding strand, the complement: MYH9 is on the minus strand). VCF-style: chr22-36295068-C-A. GRCh37 (hg19) VCF-style: chr22-36691114-C-A.
Other names: c.3494G>T (NM_002473.5); short protein forms R1165L.
Identifiers: ClinVar variation 38965 (VCV000038965.5), dbSNP rs80338830, ClinGen allele CA343278.